The following is an entry in ClinVar:

NM_001128840.3(CACNA1D):c.1777T>C (p.Phe593Leu)

Gene: CACNA1D (calcium voltage-gated channel subunit alpha1 D; plus strand). Cytogenetic location: 3p21.1.
Variant type: single nucleotide variant.
Coding change: c.1777T>C on transcript NM_001128840.3 (MANE Select); coding-DNA position 1777, T replaced by C.
Protein change: p.Phe593Leu; replaces phenylalanine 593 with leucine.
Molecular consequence: missense variant.
Genome position (GRCh38, 1-based): chr3:53,723,544, T>C. VCF-style: chr3-53723544-T-C. GRCh37 (hg19) VCF-style: chr3-53757571-T-C.
Other names: c.1837T>C, p.Phe613Leu (NM_000720.4); c.1777T>C, p.Phe593Leu (NM_001128839.3); short protein forms F613L, F593L.
Identifiers: ClinVar variation 1380746 (VCV001380746.8), dbSNP rs2108721454, ClinGen allele CA353237045.
Genomic context (GRCh38, chr3:53,723,544, plus strand): 5'-AAAATGTACAGCTTGGGCCTCCAAGCATATTTCGTCTCTCTTTTCAACCGGTTTGATTGC[T>C]TCGTGGTGTGTGGTGGAATCACTGAGACGATCTTGGTGGAACTGGAAATCATGTCTCCCC-3'
Protein context (NP_001122312.1, residues 583-603): FVSLFNRFDC[Phe593Leu]VVCGGITETI

ClinVar aggregate classification (germline): Uncertain significance (1 of 4 stars; one submission).

Submission:

Labcorp Genetics (formerly Invitae), Labcorp
Classification: Uncertain significance. Last evaluated: 2021-03-23. Review status: criteria provided, single submitter. Criteria: Invitae Variant Classification Sherloc (09022015). Collection method: clinical testing. Allele origin: germline.
Comment: This sequence change replaces phenylalanine with leucine at codon 613 of the CACNA1D protein (p.Phe613Leu). The phenylalanine residue is highly conserved and there is a small physicochemical difference between phenylalanine and leucine. In summary, the available evidence is currently insufficient to determine the role of this variant in disease. Therefore, it has been classified as a Variant of Uncertain Significance. Algorithms developed to predict the effect of missense changes on protein structure and function are either unavailable or do not agree on the potential impact of this missense change (SIFT: "Deleterious"; PolyPhen-2: "Probably Damaging"; Align-GVGD: "Class C15"). This variant has not been reported in the literature in individuals with CACNA1D-related conditions. This variant is not present in population databases (ExAC no frequency).